The following is an entry in ClinVar:

NM_000238.4(KCNH2):c.3081C>T (p.Leu1027=)

Gene: KCNH2 (potassium voltage-gated channel subfamily H member 2; minus strand). Cytogenetic location: 7q36.1.
Variant type: single nucleotide variant.
Coding change: c.3081C>T on transcript NM_000238.4 (MANE Select); coding-DNA position 3081, C replaced by T.
Protein change: p.Leu1027=; no amino-acid change (leucine 1027 retained).
Molecular consequence: synonymous variant.
Genome position (GRCh38, 1-based): chr7:150,947,399, G>A on the plus strand (C>T on the coding strand, the complement: KCNH2 is on the minus strand). VCF-style: chr7-150947399-G-A. GRCh37 (hg19) VCF-style: chr7-150644487-G-A.
Other names: c.2061C>T, p.Leu687= (NM_172057.3).
Identifiers: ClinVar variation 1114499 (VCV001114499.14), dbSNP rs1438907234, ClinGen allele CA458644864.
Genomic context (GRCh38, chr7:150,947,399, plus strand): 5'-GCGCTGGAGGGCATCCAGCCTGCTCTCCACGTCGCCCCGGGGCCGCCGACCCGGGCTGGA[G>A]AGGGGGATGTTGAGGAGGCTGGGGGTGGGGGCGGGGCATCGAGGGAGCTCCTGGTACTGG-3'
Protein context (NP_000229.1, residues 1017-1037): APTPSLLNIP[Leu1027=]SSPGRRPRGD

ClinVar aggregate classification (germline): Likely benign. Review status: criteria provided, multiple submitters, no conflicts (2 of 4 stars). 5 submissions from 5 submitters: Likely benign (5). Last evaluated 2025-12-13.

Conditions:
Cardiovascular phenotype. Identifiers: MedGen CN230736.
Cardiac arrhythmia. Also called: Cardiac rhythm disease; Arrhythmia. Identifiers: MedGen C0003811, MONDO:0007263, HP:0011675.
Long QT syndrome (LQTS). Identifiers: MedGen C0023976, MeSH D008133, MONDO:0002442. Disease mechanism: loss of function. Inheritance: Various modes of inheritance.

Allele frequency attached by ClinVar (database versions not stated): TOPMed below 0.00001; gnomAD 0.00001; gnomAD exomes 0.00001.
gnomAD v4.1: 17 of 1,551,428 alleles (0.0011%); highest among the groups gnomAD compares: South Asian, 0.0024%; no homozygotes.

Submissions (5):

Labcorp Genetics (formerly Invitae), Labcorp
Classification: Likely benign for Long QT syndrome. Last evaluated: 2025-12-13. Review status: criteria provided, single submitter. Criteria: Invitae Variant Classification Sherloc (09022015). Collection method: clinical testing. Allele origin: germline.

Blueprint Genetics
Classification: Likely benign. Last evaluated: 2024-11-13. Review status: criteria provided, single submitter. Criteria: ACMG Guidelines, 2015. Collection method: clinical testing. Allele origin: germline.

All of Us Research Program, National Institutes of Health
Classification: Likely benign for Long QT syndrome. Last evaluated: 2023-10-30. Review status: criteria provided, single submitter. Criteria: ACMG Guidelines, 2015. Collection method: clinical testing. Allele origin: germline. Inheritance: Autosomal dominant inheritance. Observed: 3 variant alleles, 3 heterozygotes.
Comment: This study involves interpretation of variants in research participants for the purpose of population health screening. Participant phenotype was not available at the time of variant classification. Additional details can be found in publication PMID: 35346344, PMCID: PMC8962531

Color Diagnostics, LLC DBA Color Health
Classification: Likely benign for Cardiac arrhythmia. Last evaluated: 2022-01-26. Review status: criteria provided, single submitter. Criteria: ACMG Guidelines, 2015. Collection method: clinical testing. Allele origin: germline.

Ambry Genetics
Classification: Likely benign for Cardiovascular phenotype. Last evaluated: 2020-12-18. Review status: criteria provided, single submitter. Criteria: Ambry Variant Classification Scheme 2023. Collection method: clinical testing. Allele origin: germline.